The following is an entry in ClinVar:

ClinVar aggregate classification (germline): Uncertain significance (1 of 4 stars; one submission).

Conditions:
Long QT syndrome (LQTS). Identifiers: MedGen C0023976, MeSH D008133, MONDO:0002442. Disease mechanism: loss of function. Inheritance: Various modes of inheritance.

Submission:

Labcorp Genetics (formerly Invitae), Labcorp
Classification: Uncertain significance for Long QT syndrome. Last evaluated: 2024-05-31. Review status: criteria provided, single submitter. Criteria: Invitae Variant Classification Sherloc (09022015). Collection method: clinical testing. Allele origin: germline.
Comment: This sequence change creates a premature translational stop signal (p.Lys1269Thrfs*22) in the AKAP9 gene. It is expected to result in an absent or disrupted protein product. However, the current clinical and genetic evidence is not sufficient to establish whether loss-of-function variants in AKAP9 cause disease. This variant is present in population databases (no rsID available, gnomAD 0.003%). This variant has not been reported in the literature in individuals affected with AKAP9-related conditions. In summary, the available evidence is currently insufficient to determine the role of this variant in disease. Therefore, it has been classified as a Variant of Uncertain Significance.

NM_005751.5(AKAP9):c.3806_3807del (p.Lys1269fs)

Gene: AKAP9 (A-kinase anchoring protein 9; plus strand). Cytogenetic location: 7q21.2.
Variant type: Deletion.
Coding change: c.3806_3807del on transcript NM_005751.5 (MANE Select); coding-DNA positions 3806 to 3807, 2 bases deleted (AA; older notation c.3806_3807delAA).
Protein change: p.Lys1269fs; shifts the reading frame from lysine 1269.
Molecular consequence: frameshift variant.
Genome position (GRCh38, 1-based): chr7:92,017,071-92,017,072, AA deleted; deleting any 2 consecutive bases within chr7:92,017,070-92,017,072 gives the same sequence; the c. name uses the placement nearest the transcript's 3' end. VCF-style (leftmost placement, unchanged base first): chr7-92017069-CAA-C. GRCh37 (hg19) VCF-style: chr7-91646383-CAA-C.
Other names: c.3806_3807del, p.Lys1269fs (NM_147185.3); short protein forms K1269fs.
Identifiers: ClinVar variation 3667115 (VCV003667115.2).